The following is an entry in ClinVar:

ClinVar aggregate classification (germline): Conflicting classifications of pathogenicity. Review status: criteria provided, conflicting classifications (1 of 4 stars). 11 submissions from 11 submitters: Uncertain significance (7); Likely benign (2). 2 of the submissions do not count toward it. Last evaluated 2025-08-27.

Conditions:
Pancreatic cancer, susceptibility to, 2. Identifiers: Orphanet 1333, MedGen C3150546, MONDO:0013235, OMIM 613347.
Glioma susceptibility 3 (GLM3). Also called: Glioblastoma 3. Identifiers: Orphanet 182067, Orphanet 360, MedGen C2751641, MONDO:0013093, OMIM 613029.
Familial prostate cancer. Also called: Hereditary Prostate Cancer. Identifiers: MedGen C2931456, MONDO:0700275, OMIM 176807.
Breast-ovarian cancer, familial, susceptibility to, 2 (BROVCA2). Also called: BRCA2 Hereditary Breast and Ovarian Cancer. Identifiers: Orphanet 145, MedGen C2675520, MONDO:0012933, OMIM 612555. Disease mechanism: loss of function.
Fanconi anemia complementation group D1. Also called: BRCA2-Related Fanconi Anemia. Identifiers: Orphanet 319462, MedGen C1838457, MONDO:0011584, OMIM 605724.
Medulloblastoma (MDB). Also called: Medulloblastoma, somatic; MEDULLOBLASTOMA PREDISPOSITION SYNDROME. Identifiers: Orphanet 616, MedGen C0025149, MeSH D008527, MONDO:0007959, OMIM 155255, HP:0002885.
Wilms tumor 1 (WT1). Also called: Wilms tumor, somatic. Identifiers: Orphanet 654, MedGen CN033288, MONDO:0008679, OMIM 194070.
Familial cancer of breast. Also called: BREAST CANCER, FAMILIAL; hereditary breast carcinoma; Hereditary breast cancer. Identifiers: Orphanet 227535, MedGen C0346153, MONDO:0016419, OMIM 114480. Disease mechanism: loss of function.
Hereditary cancer-predisposing syndrome. Also called: Neoplastic Syndromes, Hereditary; Tumor predisposition; Hereditary Cancer Syndrome; Hereditary neoplastic syndrome. Identifiers: Orphanet 140162, MedGen C0027672, MeSH D009386, MONDO:0015356.
Hereditary breast ovarian cancer syndrome. Also called: Breast and ovarian cancer; Hereditary breast and ovarian cancer; Hereditary breast and ovarian cancer syndrome (HBOC); Hereditary breast and ovarian cancer syndrome; BRCA1- and BRCA2-Associated Hereditary Breast and Ovarian Cancer; Hereditary breast and/or ovarian cancer syndrome. Identifiers: Orphanet 145, MedGen C0677776, MeSH D061325, MONDO:0003582. Disease mechanism: loss of function.

Allele frequency attached by ClinVar (database versions not stated): gnomAD exomes below 0.00001; ExAC 0.00001.
gnomAD v4.1: 3 of 1,614,072 alleles (0.00019%); highest among the groups gnomAD compares: Non-Finnish European, 0.00025%; no homozygotes.

Submissions (11):

Color Diagnostics, LLC DBA Color Health
Classification: Uncertain significance for Hereditary cancer-predisposing syndrome. Last evaluated: 2025-08-27. Review status: criteria provided, single submitter. Criteria: ACMG Guidelines, 2015. Collection method: clinical testing. Allele origin: germline.
Comment: This missense variant replaces glutamic acid with glycine at codon 1146 of the BRCA2 protein. Computational prediction suggests that this variant may not impact protein structure and function. A functional study reported that this variant does not impact BRCA2 in the rescue of Brca2-null mouse embryonic stem cells and in sensitivity assays to cisplatin and PARP inhibitor (PMID: 37922907). This variant has been reported in an individual who underwent cancer genetic testing (PMID: 31159747). Multifactorial analysis has reached a combined likelihood ratio (LR) of 0.767 based on reported LR for co-occurrence with a pathogenic variant and personal and family history for 3 carriers (PMID: 31131967, 31853058). This variant has been identified in 1/251038 chromosomes in the general population by the Genome Aggregation Database (gnomAD). The available evidence is insufficient to determine the role of this variant in disease conclusively. Therefore, this variant is classified as a Variant of Uncertain Significance.

Ambry Genetics
Classification: Likely benign for Hereditary cancer-predisposing syndrome. Last evaluated: 2025-07-14. Review status: criteria provided, single submitter. Criteria: Ambry Variant Classification Scheme 2023. Collection method: clinical testing. Allele origin: germline.

Labcorp Genetics (formerly Invitae), Labcorp
Classification: Uncertain significance for Hereditary breast ovarian cancer syndrome. Last evaluated: 2025-01-19. Review status: criteria provided, single submitter. Criteria: Invitae Variant Classification Sherloc (09022015). Collection method: clinical testing. Allele origin: germline.
Comment: This sequence change replaces glutamic acid, which is acidic and polar, with glycine, which is neutral and non-polar, at codon 1146 of the BRCA2 protein (p.Glu1146Gly). This variant is present in population databases (rs80358588, gnomAD 0.0009%). This variant has not been reported in the literature in individuals affected with BRCA2-related conditions. ClinVar contains an entry for this variant (Variation ID: 37840). Invitae Evidence Modeling of protein sequence and biophysical properties (such as structural, functional, and spatial information, amino acid conservation, physicochemical variation, residue mobility, and thermodynamic stability) indicates that this missense variant is not expected to disrupt BRCA2 protein function with a negative predictive value of 95%. In summary, the available evidence is currently insufficient to determine the role of this variant in disease. Therefore, it has been classified as a Variant of Uncertain Significance.

Fulgent Genetics
Classification: Uncertain significance for Familial cancer of breast; Medulloblastoma; Familial prostate cancer; Wilms tumor 1; Fanconi anemia complementation group D1; Breast-ovarian cancer, familial, susceptibility to, 2; Glioma susceptibility 3; Pancreatic cancer, susceptibility to, 2. Last evaluated: 2024-03-25. Review status: criteria provided, single submitter. Criteria: ACMG Guidelines, 2015. Collection method: clinical testing. Allele origin: germline.

All of Us Research Program, National Institutes of Health
Classification: Uncertain significance for Breast-ovarian cancer, familial, susceptibility to, 2. Last evaluated: 2023-12-13. Review status: criteria provided, single submitter. Criteria: ACMG Guidelines, 2015. Collection method: clinical testing. Allele origin: germline. Inheritance: Autosomal dominant inheritance. Observed: 4 variant alleles, 4 heterozygotes.
Comment: This missense variant replaces glutamic acid with glycine at codon 1146 of the BRCA2 protein. Computational prediction suggests that this variant may not impact protein structure and function (internally defined REVEL score threshold <= 0.5, PMID: 27666373). To our knowledge, functional studies have not been reported for this variant. This variant has been reported in an individual who underwent cancer genetic testing (PMID: 31159747) and is associated with a family history likelihood ratio for pathogenicity of 4.372 (PMID: 31131967). This variant has been identified in 1/251038 chromosomes in the general population by the Genome Aggregation Database (gnomAD). The available evidence is insufficient to determine the role of this variant in disease conclusively. Therefore, this variant is classified as a Variant of Uncertain Significance.

This study involves interpretation of variants in research participants for the purpose of population health screening. Participant phenotype was not available at the time of variant classification. Additional details can be found in publication PMID: 35346344, PMCID: PMC8962531

University of Washington Department of Laboratory Medicine, University of Washington
Classification: Likely benign for Hereditary cancer-predisposing syndrome. Last evaluated: 2023-03-23. Review status: criteria provided, single submitter. Criteria: Dines et al. (Genet Med. 2020). Collection method: curation. Allele origin: germline.
Comment: Missense variant in a coldspot region where missense variants are very unlikely to be pathogenic (PMID:31911673).

BRCA2 exon 11 coldspot. Reclassification based on statistical prior probability.

GeneDx
Classification: Uncertain significance. Last evaluated: 2023-03-07. Review status: criteria provided, single submitter. Criteria: GeneDx Variant Classification Process June 2021. Collection method: clinical testing. Allele origin: germline. Affected: yes.
Comment: Observed in an individual who underwent hereditary cancer genetic testing (Tsaousis et al., 2019); Not observed at significant frequency in large population cohorts (gnomAD); In silico analysis supports that this missense variant does not alter protein structure/function; Also known as 3665A>G; This variant is associated with the following publications: (PMID: 31131967, 31159747)

Women's Health and Genetics/Laboratory Corporation of America, LabCorp
Classification: Uncertain significance. Last evaluated: 2020-11-05. Review status: criteria provided, single submitter. Criteria: LabCorp Variant Classification Summary - May 2015. Collection method: clinical testing. Allele origin: germline.
Comment: Variant summary: BRCA2 c.3437A>G (p.Glu1146Gly) results in a non-conservative amino acid change in the encoded protein sequence. Four of five in-silico tools predict a benign effect of the variant on protein function. The variant allele was found at a frequency of 4e-06 in 251038 control chromosomes. The available data on variant occurrences in the general population are insufficient to allow any conclusion about variant significance. c.3437A>G has been reported in the literature in an individual being referred for genetic testing with a hereditary cancer panel (Tsaousis_2019). This reports does not provide unequivocal conclusions about association of the variant with Hereditary Breast And Ovarian Cancer Syndrome. To our knowledge, no experimental evidence demonstrating an impact on protein function has been reported. Four clinical diagnostic laboratories have submitted clinical-significance assessments for this variant to ClinVar after 2014 without evidence for independent evaluation. All laboratories classified the variant as uncertain significance. Based on the evidence outlined above, the variant was classified as uncertain significance.

GeneKor MSA
Classification: Uncertain significance for Hereditary cancer-predisposing syndrome. Last evaluated: 2018-08-01. Review status: criteria provided, single submitter. Criteria: ACMG Guidelines, 2015. Collection method: clinical testing. Allele origin: germline. Affected: yes.

Sharing Clinical Reports Project (SCRP)
Classification: Uncertain significance for Breast-ovarian cancer, familial 2. Last evaluated: 2011-05-18. Review status: no assertion criteria provided. Collection method: clinical testing. Allele origin: germline. Not counted in ClinVar's aggregate classification.

Breast Cancer Information Core (BIC) (BRCA2)
Classification: Uncertain significance for Breast-ovarian cancer, familial 2. Review status: no assertion criteria provided. Collection method: clinical testing. Allele origin: germline. Affected: yes. Observed: 1 variant allele. Not counted in ClinVar's aggregate classification.

Literature cited by the submitters: PubMed 31131967 (cited by Color Diagnostics, LLC DBA Color Health and All of Us Research Program, National Institutes of Health); PubMed 31159747 (cited by 4 submitters); PubMed 31853058 (cited by Color Diagnostics, LLC DBA Color Health); PubMed 37922907 (cited by Color Diagnostics, LLC DBA Color Health).

NM_000059.4(BRCA2):c.3437A>G (p.Glu1146Gly)

Gene: BRCA2 (BRCA2 DNA repair associated; plus strand). Cytogenetic location: 13q13.1.
Variant type: single nucleotide variant.
Coding change: c.3437A>G on transcript NM_000059.4 (MANE Select); coding-DNA position 3437, A replaced by G.
Protein change: p.Glu1146Gly; replaces glutamic acid 1146 with glycine.
Molecular consequence: missense variant.
Genome position (GRCh38, 1-based): chr13:32,337,792, A>G. VCF-style: chr13-32337792-A-G. GRCh37 (hg19) VCF-style: chr13-32911929-A-G.
Other names: 3665A>G; short protein forms E1146G.
Identifiers: ClinVar variation 37840 (VCV000037840.29), dbSNP rs80358588, ClinGen allele CA018008.
Genomic context (GRCh38, chr13:32,337,792, plus strand): 5'-AATTTACTCAGTTTAGAAAACCAAGCTACATATTGCAGAAGAGTACATTTGAAGTGCCTG[A>G]AAACCAGATGACTATCTTAAAGACCACTTCTGAGGAATGCAGAGATGCTGATCTTCATGT-3'
Protein context (NP_000050.3, residues 1136-1156): ILQKSTFEVP[Glu1146Gly]NQMTILKTTS